The following is an entry in ClinVar:

NM_025099.6(CTC1):c.2164C>T (p.Pro722Ser)

Gene: CTC1 (CST telomere replication complex component 1; minus strand). Cytogenetic location: 17p13.1.
Variant type: single nucleotide variant.
Coding change: c.2164C>T on transcript NM_025099.6 (MANE Select); coding-DNA position 2164, C replaced by T.
Protein change: p.Pro722Ser; replaces proline 722 with serine.
Molecular consequence: missense variant. On other transcripts: non-coding transcript variant (1).
Genome position (GRCh38, 1-based): chr17:8,232,124, G>A on the plus strand (C>T on the coding strand, the complement: CTC1 is on the minus strand). VCF-style: chr17-8232124-G-A. GRCh37 (hg19) VCF-style: chr17-8135442-G-A.
Other names: short protein forms P722S.
Identifiers: ClinVar variation 1336860 (VCV001336860.7), dbSNP rs770505786, ClinGen allele CA8372146.

ClinVar aggregate classification (germline): Uncertain significance. Review status: criteria provided, multiple submitters, no conflicts (2 of 4 stars). 4 submissions from 4 submitters: Uncertain significance (4). Last evaluated 2023-12-08.

Conditions:
Dyskeratosis congenita. Identifiers: Orphanet 1775, MedGen C0265965, MONDO:0015780.

Allele frequency attached by ClinVar (database versions not stated): TOPMed 0.00002.
gnomAD v4.1: 10 of 1,531,300 alleles (0.00065%); highest among the groups gnomAD compares: Admixed American, 0.0022%; no homozygotes.

Submissions (4):

Women's Health and Genetics/Laboratory Corporation of America, LabCorp
Classification: Uncertain significance. Last evaluated: 2023-12-08. Review status: criteria provided, single submitter. Criteria: LabCorp Variant Classification Summary - May 2015. Collection method: clinical testing. Allele origin: germline.
Comment: Variant summary: CTC1 c.2164C>T (p.Pro722Ser) results in a non-conservative amino acid change in the encoded protein sequence. Four of five in-silico tools predict a benign effect of the variant on protein function. The variant allele was found at a frequency of 4.1e-05 in 168732 control chromosomes (gnomAD). The available data on variant occurrences in the general population are insufficient to allow any conclusion about variant significance. c.2164C>T has been reported in the literature in at-least one individuals affected with pulmonary fibrosis (example: Arias-Salgado_2019). This report does not provide unequivocal conclusions about association of the variant with Cerebroretinal Microangiopathy With Calcifications And Cysts 1. To our knowledge, no experimental evidence demonstrating an impact on protein function has been reported. The following publication has been ascertained in the context of this evaluation (PMID: 30995915). Three submitters have cited clinical-significance assessments for this variant to ClinVar after 2014. All submitters classified the variant as uncertain significance. Based on the evidence outlined above, the variant was classified as uncertain significance.

Labcorp Genetics (formerly Invitae), Labcorp
Classification: Uncertain significance for Dyskeratosis congenita. Last evaluated: 2022-04-20. Review status: criteria provided, single submitter. Criteria: Invitae Variant Classification Sherloc (09022015). Collection method: clinical testing. Allele origin: germline.
Comment: This sequence change replaces proline, which is neutral and non-polar, with serine, which is neutral and polar, at codon 722 of the CTC1 protein (p.Pro722Ser). This variant is present in population databases (rs770505786, gnomAD 0.01%). This variant has not been reported in the literature in individuals affected with CTC1-related conditions. ClinVar contains an entry for this variant (Variation ID: 1336860). Algorithms developed to predict the effect of missense changes on protein structure and function output the following: SIFT: "Deleterious"; PolyPhen-2: "Benign"; Align-GVGD: "Class C0". The serine amino acid residue is found in multiple mammalian species, which suggests that this missense change does not adversely affect protein function. In summary, the available evidence is currently insufficient to determine the role of this variant in disease. Therefore, it has been classified as a Variant of Uncertain Significance.

Sema4
Classification: Uncertain significance for Dyskeratosis congenita. Last evaluated: 2021-09-20. Review status: criteria provided, single submitter. Criteria: Sema4 Curation Guidelines. Collection method: curation. Allele origin: germline.
Comment: The CTC1 c.2164C>T (p.P722S) variant has been reported in heterozygosity in an individual with pulmonary fibrosis and telomere length at less than the first percentile by age (PMID: 30995915). It was observed in 5/80528 chromosomes of the Non-Finnish European subpopulation in the large and broad cohorts of the Genome Aggregation Database (PMID: 32461654). The variant has not been reported in ClinVar. In silico tools suggest the impact of the variant on protein function is benign, though these predictions have not been confirmed by functional studies. The evidence is insufficient to meet ACMG/AMP criteria for classifying the variant as benign or pathogenic. Thus, the clinical significance of this variant is currently uncertain.

Genetic Services Laboratory, University of Chicago
Classification: Uncertain significance. Last evaluated: 2018-09-13. Review status: criteria provided, single submitter. Criteria: ACMG Guidelines, 2015. Collection method: clinical testing. Allele origin: germline. Affected: no.

Literature cited by the submitters: PubMed 30995915 (cited by Women's Health and Genetics/Laboratory Corporation of America, LabCorp and Sema4).